The following is an entry in ClinVar:

ClinVar aggregate classification (germline): Uncertain significance (1 of 4 stars; one submission).

Conditions:
Lipoic acid synthetase deficiency. Also called: HYPERGLYCINEMIA, LACTIC ACIDOSIS, AND SEIZURES. Identifiers: Orphanet 401859, MedGen C3280887, MONDO:0013762, OMIM 614462.

Allele frequency attached by ClinVar (database versions not stated): gnomAD exomes below 0.00001 and 0.00001; ExAC 0.00001.
gnomAD v4.1: 3 of 1,605,208 alleles (0.00019%); highest among the groups gnomAD compares: South Asian, 0.0033%; no homozygotes.

Submission:

Labcorp Genetics (formerly Invitae), Labcorp
Classification: Uncertain significance for Lipoic acid synthetase deficiency. Last evaluated: 2024-11-11. Review status: criteria provided, single submitter. Criteria: Invitae Variant Classification Sherloc (09022015). Collection method: clinical testing. Allele origin: germline.
Comment: This sequence change replaces valine, which is neutral and non-polar, with isoleucine, which is neutral and non-polar, at codon 105 of the LIAS protein (p.Val105Ile). This variant is present in population databases (rs775744955, gnomAD 0.003%). This variant has not been reported in the literature in individuals affected with LIAS-related conditions. ClinVar contains an entry for this variant (Variation ID: 1042630). An algorithm developed to predict the effect of missense changes on protein structure and function (PolyPhen-2) suggests that this variant is likely to be disruptive. In summary, the available evidence is currently insufficient to determine the role of this variant in disease. Therefore, it has been classified as a Variant of Uncertain Significance.

NM_006859.4(LIAS):c.313G>A (p.Val105Ile)

Gene: LIAS (lipoic acid synthetase; plus strand). Cytogenetic location: 4p14.
Variant type: single nucleotide variant.
Coding change: c.313G>A on transcript NM_006859.4 (MANE Select); coding-DNA position 313, G replaced by A.
Protein change: p.Val105Ile; replaces valine 105 with isoleucine.
Molecular consequence: missense variant. On other transcripts: synonymous variant (2).
Genome position (GRCh38, 1-based): chr4:39,463,525, G>A. VCF-style: chr4-39463525-G-A. GRCh37 (hg19) VCF-style: chr4-39465145-G-A.
Other names: c.313G>A, p.Val105Ile (NM_001278590.2, NM_001278591.2, NM_194451.3); c.219G>A, p.Arg73= (NM_001278592.2, NM_001363700.2); short protein forms V105I.
Identifiers: ClinVar variation 1042630 (VCV001042630.9), dbSNP rs775744955, ClinGen allele CA2894641.